The following is an entry in ClinVar:

ClinVar aggregate classification (germline): Pathogenic (1 of 4 stars; one submission).

Conditions:
Ehlers-Danlos syndrome, dermatosparaxis type. Also called: EDS VIIC; Dermatosparaxis; Ehlers-Danlos syndrome, type VII, autosomal recessive. Identifiers: Orphanet 1901, MedGen C2700425, MONDO:0009161, OMIM 225410.

Submission:

Myriad Genetics, Inc.
Classification: Pathogenic for Ehlers-Danlos syndrome, dermatosparaxis type. Last evaluated: 2024-05-14. Review status: criteria provided, single submitter. Criteria: Myriad Autosomal Dominant, Autosomal Recessive and X-Linked Classification Criteria (2023). Collection method: clinical testing. Allele origin: unknown.
Comment: NM_014244.4(ADAMTS2):c.86_93del8ins9(P29Qfs*37) is expected to be pathogenic in the context of Ehlers-Danlos syndrome, ADAMTS2-related. This variant is predicted to lead to an abnormal or absent protein product due to the creation of a premature termination codon in ADAMTS2, a gene where loss-of-function variants are known to be pathogenic. Please note: this variant was assessed in the context of healthy population screening.

NM_014244.5(ADAMTS2):c.86_93delinsAGCAGCAGA (p.Pro29fs)

Gene: ADAMTS2 (ADAM metallopeptidase with thrombospondin type 1 motif 2; minus strand). Cytogenetic location: 5q35.3.
Variant type: Indel.
Coding change: c.86_93delinsAGCAGCAGA on transcript NM_014244.5 (MANE Select); coding-DNA positions 86 to 93, CGCCGCCG replaced by AGCAGCAGA.
Protein change: p.Pro29fs; shifts the reading frame from proline 29.
Molecular consequence: frameshift variant.
Genome position (GRCh38, 1-based): chr5:179,345,236-179,345,243, CGGCGGCG replaced by TCTGCTGCT on the plus strand (CGCCGCCG replaced by AGCAGCAGA on the coding strand, the reverse complement: ADAMTS2 is on the minus strand). VCF-style: chr5-179345236-CGGCGGCG-TCTGCTGCT. GRCh37 (hg19) VCF-style: chr5-178772237-CGGCGGCG-TCTGCTGCT.
Other names: c.86_93delinsAGCAGCAGA, p.Pro29fs (NM_021599.4); short protein forms P29fs.
Identifiers: ClinVar variation 5010653 (VCV005010653.1).